The following is an entry in ClinVar:

NM_020163.3(SEMA3G):c.1372A>C (p.Thr458Pro)

Gene: SEMA3G (semaphorin 3G; minus strand). Cytogenetic location: 3p21.1.
Variant type: single nucleotide variant.
Coding change: c.1372A>C on transcript NM_020163.3 (MANE Select); coding-DNA position 1372, A replaced by C.
Protein change: p.Thr458Pro; replaces threonine 458 with proline.
Molecular consequence: missense variant.
Genome position (GRCh38, 1-based): chr3:52,439,870, T>G on the plus strand (A>C on the coding strand, the complement: SEMA3G is on the minus strand). VCF-style: chr3-52439870-T-G. GRCh37 (hg19) VCF-style: chr3-52473886-T-G.
Other names: short protein forms T458P.
Identifiers: ClinVar variation 4987931 (VCV004987931.1).
Genomic context (GRCh38, chr3:52,439,870, plus strand): 5'-ACAGCCAGAGACCCCACACCCCTCTCCAGCCTGGCCACCCTGGCTCAGCTGTCCTACCAG[T>G]CCCCAGGAAAATGACATCGTAGGTCCCATCCTCTGCCTCCACGCGGTCCACCACGATCTG-3'
Protein context (NP_064548.1, residues 448-468): DGTYDVIFLG[Thr458Pro]DSGSVLKVIA

ClinVar aggregate classification (germline): Uncertain significance (1 of 4 stars; one submission).

Conditions:
SEMA3G-related disorder. Also called: SEMA3G-related condition.

gnomAD v4.1: 3 of 1,612,698 alleles (0.00019%); highest among the groups gnomAD compares: Non-Finnish European, 0.00025%; no homozygotes.

Submission:

PreventionGenetics, part of Exact Sciences
Classification: Uncertain significance for SEMA3G-related condition. Last evaluated: 2025-10-31. Review status: criteria provided, single submitter. Criteria: ACMG Guidelines, 2015. Collection method: clinical testing. Allele origin: germline.
Comment: The SEMA3G c.1372A>C variant is predicted to result in the amino acid substitution p.Thr458Pro. To our knowledge, this variant has not been reported in the literature. This variant is reported in 0.0018% of alleles in individuals of European (Non-Finnish) descent in gnomAD. At this time, the clinical significance of this variant is uncertain due to the absence of conclusive functional and genetic evidence.